The following is an entry in ClinVar:

ClinVar aggregate classification (germline): Uncertain significance (1 of 4 stars; one submission).

Conditions:
Hereditary sensory and autonomic neuropathy type 6. Also called: HSAN VI; Neuropathy, hereditary sensory and autonomic, type VI. Identifiers: Orphanet 314381, MedGen C3539003, MONDO:0013839, OMIM 614653.
Epidermolysis bullosa simplex 3, localized or generalized intermediate, with BP230 deficiency (EBS3). Also called: Epidermolysis bullosa simplex, autosomal recessive 2; Epidermolysis bullosa simplex due to BP230 deficiency. Identifiers: Orphanet 412181, MedGen C3809470, MONDO:0014180, OMIM 615425.

Submission:

Labcorp Genetics (formerly Invitae), Labcorp
Classification: Uncertain significance for Epidermolysis bullosa simplex 3, localized or generalized intermediate, with BP230 deficiency; Hereditary sensory and autonomic neuropathy type 6. Last evaluated: 2024-06-22. Review status: criteria provided, single submitter. Criteria: Invitae Variant Classification Sherloc (09022015). Collection method: clinical testing. Allele origin: germline.
Comment: The DST gene has multiple clinically relevant transcripts. This variant occurs in alternate transcript NM_015548.4, and corresponds to NM_001723.5:c.*86002A>G in the primary transcript. This sequence change replaces lysine, which is basic and polar, with arginine, which is basic and polar, at codon 3220 of the DST protein (p.Lys3220Arg). This variant is not present in population databases (gnomAD no frequency). This variant has not been reported in the literature in individuals affected with DST-related conditions. Experimental studies and prediction algorithms are not available or were not evaluated, and the functional significance of this variant is currently unknown. In summary, the available evidence is currently insufficient to determine the role of this variant in disease. Therefore, it has been classified as a Variant of Uncertain Significance.

NM_001374736.1(DST):c.17528A>G (p.Lys5843Arg)

Gene: DST (dystonin; minus strand). Cytogenetic location: 6p12.1.
Variant type: single nucleotide variant.
Coding change: c.17528A>G on transcript NM_001374736.1 (MANE Select); coding-DNA position 17528, A replaced by G.
Protein change: p.Lys5843Arg; replaces lysine 5843 with arginine.
Molecular consequence: missense variant. On other transcripts: intron variant (2).
Genome position (GRCh38, 1-based): chr6:56,529,515, T>C on the plus strand (A>G on the coding strand, the complement: DST is on the minus strand). VCF-style: chr6-56529515-T-C. GRCh37 (hg19) VCF-style: chr6-56394313-T-C.
Other names: c.11171A>G, p.Lys3724Arg (NM_001144769.5); c.10757A>G, p.Lys3586Arg (NM_001144770.2); c.17528A>G, p.Lys5843Arg (NM_001374722.1); c.17555A>G, p.Lys5852Arg (NM_001374734.1); c.10637A>G, p.Lys3546Arg (NM_001386100.1, NM_183380.4); c.9659A>G, p.Lys3220Arg (NM_015548.5); c.10377+459A>G (NM_001374730.1); c.16635+459A>G (NM_001374729.1); short protein forms K3220R, K3546R, K3586R, K3724R, K5843R, K5852R.
Identifiers: ClinVar variation 3751743 (VCV003751743.2).